The following is an entry in ClinVar:

ClinVar aggregate classification (germline): Uncertain significance. Review status: criteria provided, multiple submitters, no conflicts (2 of 4 stars). 3 submissions from 3 submitters: Uncertain significance (3). Last evaluated 2025-05-05.

Conditions:
Cardiomyopathy (CMYO). Also called: Cardiomyopathies. Identifiers: Orphanet 167848, MedGen C0878544, MONDO:0004994, HP:0001638. Inheritance: Various modes of inheritance.
Hypertrophic cardiomyopathy. Also called: HYPERTROPHIC MYOCARDIOPATHY. Identifiers: Orphanet 217569, MedGen C0007194, MeSH D002312, MONDO:0005045, HP:0001639.

Allele frequency attached by ClinVar (database versions not stated): TOPMed 0.00002.
gnomAD v4.1: 2 of 1,613,948 alleles (0.00012%); highest among the groups gnomAD compares: Non-Finnish European, 0.000085%; no homozygotes.

Submissions (3):

Color Diagnostics, LLC DBA Color Health
Classification: Uncertain significance for Cardiomyopathy. Last evaluated: 2025-05-05. Review status: criteria provided, single submitter. Criteria: ACMG Guidelines, 2015. Collection method: clinical testing. Allele origin: germline.
Comment: This missense variant replaces glycine with arginine at codon 490 of the MYBPC3 protein. Computational prediction suggests that this variant may have a deleterious impact on protein structure and function. To our knowledge, functional studies have not been reported for this variant. This variant has not been reported in individuals affected with MYBPC3-related disorders in the literature. This variant has been identified in 1/249060 chromosomes in the general population by the Genome Aggregation Database (gnomAD). The available evidence is insufficient to determine the role of this variant in disease conclusively. Therefore, this variant is classified as a Variant of Uncertain Significance.

Dasa
Classification: Uncertain significance. Last evaluated: 2025-03-05. Review status: criteria provided, single submitter. Criteria: DASA Assertion Criteria. Collection method: clinical testing. Allele origin: germline.
Comment: NM_000256.3(MYBPC3):c.1468G>C (p.Gly490Arg) is a missense variant that results in the substitution of glycine with arginine. This variant is rare in population databases. Computational prediction algorithms are consistent with a deleterious effect. The currently available literature and clinical evidence are not sufficient to establish a definitive association between this variant and the reported condition. Therefore, this variant is classified as a variant of uncertain significance.

Labcorp Genetics (formerly Invitae), Labcorp
Classification: Uncertain significance for Hypertrophic cardiomyopathy. Last evaluated: 2023-08-04. Review status: criteria provided, single submitter. Criteria: Invitae Variant Classification Sherloc (09022015). Collection method: clinical testing. Allele origin: germline.
Comment: In summary, the available evidence is currently insufficient to determine the role of this variant in disease. Therefore, it has been classified as a Variant of Uncertain Significance. An algorithm developed to predict the effect of missense changes on protein structure and function (PolyPhen-2) suggests that this variant is likely to be disruptive. ClinVar contains an entry for this variant (Variation ID: 454304). This missense change has been observed in individual(s) with clinical features of MYBPC3-related conditions (Invitae). This variant is present in population databases (no rsID available, gnomAD no frequency). This sequence change replaces glycine, which is neutral and non-polar, with arginine, which is basic and polar, at codon 490 of the MYBPC3 protein (p.Gly490Arg).

NM_000256.3(MYBPC3):c.1468G>C (p.Gly490Arg)

Gene: MYBPC3 (myosin binding protein C3; minus strand). Cytogenetic location: 11p11.2.
Variant type: single nucleotide variant.
Coding change: c.1468G>C on transcript NM_000256.3 (MANE Select); coding-DNA position 1468, G replaced by C.
Protein change: p.Gly490Arg; replaces glycine 490 with arginine.
Molecular consequence: missense variant.
Genome position (GRCh38, 1-based): chr11:47,342,734, C>G on the plus strand (G>C on the coding strand, the complement: MYBPC3 is on the minus strand). VCF-style: chr11-47342734-C-G. GRCh37 (hg19) VCF-style: chr11-47364285-C-G.
Other names: c.1468G>C, p.Gly490Arg (LRG_386t1); short protein forms G490R.
Identifiers: ClinVar variation 454304 (VCV000454304.13), dbSNP rs200625851, ClinGen allele CA380325290.
Genomic context (GRCh38, chr11:47,342,734, plus strand): 5'-GTCTCTGCCCGTCCTTCTTGAACCGGTATTTGAAGGTCTCCTCCCGGGTCAGCTCCACCC[C>G]GTCCTTCAGCCTAGCCGGGTGGGTGGGTGGCAAGTGCTGTGGCCTCTTCTGGGCAGATGC-3'
Protein context (NP_000247.2, residues 480-500): EGAQVKWLKD[Gly490Arg]VELTREETFK